The following is an entry in ClinVar:

ClinVar aggregate classification (germline): Uncertain significance (1 of 4 stars; one submission).

gnomAD v4.1: 1 of 1,611,620 alleles (0.000062%); highest among the groups gnomAD compares: Non-Finnish European, 0.000085%; no homozygotes.

Submission:

Ambry Genetics
Classification: Uncertain significance. Last evaluated: 2026-06-10. Review status: criteria provided, single submitter. Criteria: Ambry Variant Classification Scheme 2023. Collection method: clinical testing. Allele origin: germline.
Comment: The p.S1374T variant (also known as c.4121G>C), located in coding exon 19 of the WNK2 gene, results from a G to C substitution at nucleotide position 4121. The serine at codon 1374 is replaced by threonine, an amino acid with similar properties. This amino acid position is conserved. In addition, this alteration is predicted to be tolerated by in silico analysis. Based on the available evidence, the clinical significance of this variant remains unclear.

NM_006648.4(WNK2):c.4121G>C (p.Ser1374Thr)

Gene: WNK2 (WNK lysine deficient protein kinase 2; plus strand). Cytogenetic location: 9q22.31.
Variant type: single nucleotide variant.
Coding change: c.4121G>C on transcript NM_006648.4 (MANE Select); coding-DNA position 4121, G replaced by C.
Protein change: p.Ser1374Thr; replaces serine 1374 with threonine.
Molecular consequence: missense variant.
Genome position (GRCh38, 1-based): chr9:93,288,875, G>C. VCF-style: chr9-93288875-G-C. GRCh37 (hg19) VCF-style: chr9-96051157-G-C.
Other names: c.4232G>C, p.Ser1411Thr (NM_001282394.3); short protein forms S1374T, S1411T.
Identifiers: ClinVar variation 4866754 (VCV004866754.1).